The following is an entry in ClinVar:

ClinVar aggregate classification (germline): Likely benign. Review status: criteria provided, multiple submitters, no conflicts (2 of 4 stars). 2 submissions from 2 submitters: Likely benign (2). Last evaluated 2026-01-28.

Conditions:
3-methylcrotonyl-CoA carboxylase 1 deficiency (MCC1D). Also called: MCC 1 deficiency; 3 Alpha methylcrotonylglycinuria 1; MCCD TYPE 1; METHYLCROTONYLGLYCINURIA TYPE I. Identifiers: Orphanet 6, MedGen CN028786, MONDO:0008861, OMIM 210200.

Allele frequency attached by ClinVar (database versions not stated): gnomAD 0.00004 and 0.00007; gnomAD exomes 0.00004 and 0.00010; TOPMed 0.00008; ExAC 0.00010; 1000 Genomes Project 30x 0.00062; 1000 Genomes Project 0.00080.
gnomAD v4.1: 68 of 1,614,124 alleles (0.0042%); highest among the groups gnomAD compares: East Asian, 0.12%; 1 homozygote.

Submissions (2):

Labcorp Genetics (formerly Invitae), Labcorp
Classification: Likely benign for 3-methylcrotonyl-CoA carboxylase 1 deficiency. Last evaluated: 2026-01-28. Review status: criteria provided, single submitter. Criteria: Invitae Variant Classification Sherloc (09022015). Collection method: clinical testing. Allele origin: germline.

GeneDx
Classification: Likely benign. Last evaluated: 2017-06-22. Review status: criteria provided, single submitter. Criteria: GeneDx Variant Classification (06012015). Collection method: clinical testing. Allele origin: germline. Affected: yes.
Comment: This variant is considered likely benign or benign based on one or more of the following criteria: it is a conservative change, it occurs at a poorly conserved position in the protein, it is predicted to be benign by multiple in silico algorithms, and/or has population frequency not consistent with disease.

NM_020166.5(MCCC1):c.136+7A>G

Gene: MCCC1 (methylcrotonyl-CoA carboxylase subunit 1; minus strand). Cytogenetic location: 3q27.1.
Variant type: single nucleotide variant.
Coding change: c.136+7A>G on transcript NM_020166.5 (MANE Select); 7 bases into the intron after coding-DNA position 136, A replaced by G.
Molecular consequence: intron variant.
Genome position (GRCh38, 1-based): chr3:183,094,552, T>C on the plus strand (A>G on the coding strand, the complement: MCCC1 is on the minus strand). VCF-style: chr3-183094552-T-C. GRCh37 (hg19) VCF-style: chr3-182812340-T-C.
Other names: c.-55+7A>G (NM_001363880.1); c.44+7A>G (NM_001293273.2).
Identifiers: ClinVar variation 517994 (VCV000517994.12), dbSNP rs559629034, ClinGen allele CA2719204.